The following is an entry in ClinVar:

NM_017934.7(PHIP):c.4047A>G (p.Glu1349=)

Genes: IRAK1BP1 (interleukin 1 receptor associated kinase 1 binding protein 1; plus strand), PHIP (PHIP subunit of CUL4-Ring ligase complex; minus strand). Cytogenetic location: 6q14.1.
Variant type: single nucleotide variant.
Coding change: c.4047A>G on transcript NM_017934.7 (MANE Select); coding-DNA position 4047, A replaced by G.
Protein change: p.Glu1349=; no amino-acid change (glutamic acid 1349 retained).
Molecular consequence: synonymous variant.
Genome position (GRCh38, 1-based): chr6:78,954,820, T>C on the plus strand (A>G on the coding strand, the complement: PHIP is on the minus strand). VCF-style: chr6-78954820-T-C. GRCh37 (hg19) VCF-style: chr6-79664537-T-C.
Identifiers: ClinVar variation 4983258 (VCV004983258.1).

ClinVar aggregate classification (germline): Likely benign (1 of 4 stars; one submission).

Conditions:
PHIP-related disorder. Also called: PHIP-related condition; PHIP-related disorders.

gnomAD v4.1: 9 of 1,578,832 alleles (0.00057%); highest among the groups gnomAD compares: South Asian, 0.0094%; no homozygotes.

Submission:

PreventionGenetics, part of Exact Sciences
Classification: Likely benign for PHIP-related condition. Last evaluated: 2026-02-11. Review status: criteria provided, single submitter. Criteria: ACMG Guidelines, 2015. Collection method: clinical testing. Allele origin: germline.
Comment: This variant is classified as likely benign based on ACMG/AMP sequence variant interpretation guidelines (Richards et al. 2015 PMID: 25741868, with internal and published modifications).